The following is an entry in ClinVar:

ClinVar aggregate classification (germline): Uncertain significance (1 of 4 stars; one submission).

Conditions:
Encephalopathy, acute, infection-induced (herpes-specific), susceptibility to, 6. Also called: Herpes simplex encephalitis, susceptibility to, 4. Identifiers: Orphanet 1930, MedGen C3553869, MONDO:0013921, OMIM 614850.

Submission:

Labcorp Genetics (formerly Invitae), Labcorp
Classification: Uncertain significance for Encephalopathy, acute, infection-induced (herpes-specific), susceptibility to, 6. Last evaluated: 2021-06-18. Review status: criteria provided, single submitter. Criteria: Invitae Variant Classification Sherloc (09022015). Collection method: clinical testing. Allele origin: germline.
Comment: This variant, c.364_372del, results in the deletion of 3 amino acid(s) of the TICAM1 protein (p.Val122_Thr124del), but otherwise preserves the integrity of the reading frame. This variant is not present in population databases (ExAC no frequency). This variant has not been reported in the literature in individuals with TICAM1-related conditions. Experimental studies and prediction algorithms are not available or were not evaluated, and the functional significance of this variant is currently unknown. In summary, the available evidence is currently insufficient to determine the role of this variant in disease. Therefore, it has been classified as a Variant of Uncertain Significance.

NM_182919.4(TICAM1):c.364_372del (p.Val122_Thr124del)

Gene: TICAM1 (TIR domain containing adaptor molecule 1; minus strand). Cytogenetic location: 19p13.3.
Variant type: Deletion.
Coding change: c.364_372del on transcript NM_182919.4 (MANE Select); coding-DNA positions 364 to 372, 9 bases deleted (GTCCGCACC; older notation c.364_372delGTCCGCACC).
Protein change: p.Val122_Thr124del.
Molecular consequence: inframe deletion. On other transcripts: intron variant (1).
Genome position (GRCh38, 1-based): chr19:4,818,006-4,818,014, GGTGCGGAC deleted on the plus strand (GTCCGCACC on the coding strand, the reverse complement: TICAM1 is on the minus strand); deleting any 9 consecutive bases within chr19:4,818,006-4,818,016 gives the same sequence; the c. name uses the placement nearest the transcript's 3' end. VCF-style (leftmost placement, unchanged base first): chr19-4818005-GGGTGCGGAC-G. GRCh37 (hg19) VCF-style: chr19-4818017-GGGTGCGGAC-G.
Other names: c.322_330del, p.Val108_Thr110del (NM_001385678.1); c.229_237del, p.Val77_Thr79del (NM_001385679.1); c.-71-208_-71-200del (NM_001385680.1).
Identifiers: ClinVar variation 1444054 (VCV001444054.8), dbSNP rs2146171028, ClinGen allele CA2573155878.